The following is an entry in ClinVar:

NM_005591.4(MRE11):c.1808C>T (p.Thr603Ile)

Gene: MRE11 (MRE11 double strand break repair nuclease; minus strand). Cytogenetic location: 11q21.
Variant type: single nucleotide variant.
Coding change: c.1808C>T on transcript NM_005591.4 (MANE Select); coding-DNA position 1808, C replaced by T.
Protein change: p.Thr603Ile; replaces threonine 603 with isoleucine.
Molecular consequence: missense variant. On other transcripts: intron variant (1).
Genome position (GRCh38, 1-based): chr11:94,445,869, G>A on the plus strand (C>T on the coding strand, the complement: MRE11 is on the minus strand). VCF-style: chr11-94445869-G-A. GRCh37 (hg19) VCF-style: chr11-94179035-G-A.
Other names: c.1805C>T, p.Thr602Ile (NM_001330347.2); c.1783+1350C>T (NM_005590.4); short protein forms T603I, T602I.
Identifiers: ClinVar variation 407894 (VCV000407894.14), dbSNP rs1060501789, ClinGen allele CA16613645.
Genomic context (GRCh38, chr11:94,445,869, plus strand): 5'-CCATCTATAATAGACATATTTCTAGATGCTGACACAGCAGTCTTTGAGTTCCTGCTACGG[G>A]TAGAAGTCTCCAGACCAGTGTCTGCTGTTAGAAAAATGAACAGTCAATGTACAAGCCTAT-3'
Protein context (NP_005582.1, residues 593-613): GRADTGLETS[Thr603Ile]RSRNSKTAVS

ClinVar aggregate classification (germline): Uncertain significance. Review status: criteria provided, multiple submitters, no conflicts (2 of 4 stars). 3 submissions from 3 submitters: Uncertain significance (2). 1 of the submissions does not count toward it. Last evaluated 2023-02-25.

Conditions:
Ataxia-telangiectasia-like disorder (ATLD). Identifiers: MedGen C1858391, MONDO:0011457.
Hereditary cancer-predisposing syndrome. Also called: Hereditary Cancer Syndrome; Hereditary neoplastic syndrome; Neoplastic Syndromes, Hereditary; Tumor predisposition. Identifiers: Orphanet 140162, MedGen C0027672, MeSH D009386, MONDO:0015356.

Allele frequency attached by ClinVar (database versions not stated): gnomAD exomes below 0.00001.
gnomAD v4.1: 6 of 1,613,684 alleles (0.00037%); highest among the groups gnomAD compares: Non-Finnish European, 0.00042%; no homozygotes.

Submissions (3):

Ambry Genetics
Classification: Uncertain significance for Hereditary cancer-predisposing syndrome. Last evaluated: 2023-02-25. Review status: criteria provided, single submitter. Criteria: Ambry Variant Classification Scheme 2023. Collection method: clinical testing. Allele origin: germline.
Comment: The p.T603I variant (also known as c.1808C>T), located in coding exon 15 of the MRE11A gene, results from a C to T substitution at nucleotide position 1808. The threonine at codon 603 is replaced by isoleucine, an amino acid with similar properties. This amino acid position is well conserved in available vertebrate species. In addition, this alteration is predicted to be tolerated by in silico analysis. Since supporting evidence is limited at this time, the clinical significance of this alteration remains unclear.

Labcorp Genetics (formerly Invitae), Labcorp
Classification: Uncertain significance for Ataxia-telangiectasia-like disorder. Last evaluated: 2016-08-20. Review status: criteria provided, single submitter. Criteria: Invitae Variant Classification Sherloc (09022015). Collection method: clinical testing. Allele origin: germline.
Comment: In summary, this variant is a novel missense change with uncertain impact on protein function. It has been classified as a Variant of Uncertain Significance. Algorithms developed to predict the effect of missense changes on protein structure and function do not agree on the potential impact of this missense change (SIFT: "Deleterious"; PolyPhen-2: "Benign"; Align-GVGD: "Class C15"). This variant is not present in population databases (ExAC no frequency) and has not been reported in the literature in individuals with a MRE11A-related disease. This sequence change replaces threonine with isoleucine at codon 603 of the MRE11A protein (p.Thr603Ile). The threonine residue is moderately conserved and there is a moderate physicochemical difference between threonine and isoleucine.

Department of Pathology and Laboratory Medicine, Sinai Health System
Classification: Uncertain significance. Review status: no assertion criteria provided. Collection method: clinical testing. Allele origin: unknown. Affected: yes. Study: The Canadian Open Genetics Repository (COGR). Not counted in ClinVar's aggregate classification.